The following is an entry in ClinVar:

ClinVar aggregate classification (germline): Uncertain significance (1 of 4 stars; one submission).

Conditions:
Baller-Gerold syndrome (BGS). Also called: CRANIOSYNOSTOSIS WITH RADIAL DEFECTS. Identifiers: Orphanet 1225, MedGen C0265308, MONDO:0009039, OMIM 218600.

Submission:

Labcorp Genetics (formerly Invitae), Labcorp
Classification: Uncertain significance for Baller-Gerold syndrome. Last evaluated: 2022-08-19. Review status: criteria provided, single submitter. Criteria: Invitae Variant Classification Sherloc (09022015). Collection method: clinical testing. Allele origin: germline.
Comment: Algorithms developed to predict the effect of sequence changes on RNA splicing suggest that this variant may disrupt the consensus splice site. In summary, the available evidence is currently insufficient to determine the role of this variant in disease. Therefore, it has been classified as a Variant of Uncertain Significance. Experimental studies and prediction algorithms are not available or were not evaluated, and the functional significance of this variant is currently unknown. ClinVar contains an entry for this variant (Variation ID: 1464628). This variant has not been reported in the literature in individuals affected with RECQL4-related conditions. The frequency data for this variant in the population databases is considered unreliable, as metrics indicate poor data quality at this position in the gnomAD database. This sequence change replaces valine, which is neutral and non-polar, with isoleucine, which is neutral and non-polar, at codon 756 of the RECQL4 protein (p.Val756Ile).

NM_004260.4(RECQL4):c.2266G>A (p.Val756Ile)

Gene: RECQL4 (RecQ like helicase 4; minus strand). Cytogenetic location: 8q24.3.
Variant type: single nucleotide variant.
Coding change: c.2266G>A on transcript NM_004260.4 (MANE Select); coding-DNA position 2266, G replaced by A.
Protein change: p.Val756Ile; replaces valine 756 with isoleucine.
Molecular consequence: missense variant.
Genome position (GRCh38, 1-based): chr8:144,513,415, C>T on the plus strand (G>A on the coding strand, the complement: RECQL4 is on the minus strand). VCF-style: chr8-144513415-C-T. GRCh37 (hg19) VCF-style: chr8-145738799-C-T.
Other names: short protein forms V756I.
Identifiers: ClinVar variation 1464628 (VCV001464628.6), dbSNP rs1319987748, ClinGen allele CA4948354.